The following is an entry in ClinVar:

NM_000742.4(CHRNA2):c.416T>C (p.Met139Thr)

Gene: CHRNA2 (cholinergic receptor nicotinic alpha 2 subunit; minus strand). Cytogenetic location: 8p21.2.
Variant type: single nucleotide variant.
Coding change: c.416T>C on transcript NM_000742.4 (MANE Select); coding-DNA position 416, T replaced by C.
Protein change: p.Met139Thr; replaces methionine 139 with threonine.
Molecular consequence: missense variant. On other transcripts: 5 prime UTR variant (4).
Genome position (GRCh38, 1-based): chr8:27,467,262, A>G on the plus strand (T>C on the coding strand, the complement: CHRNA2 is on the minus strand). VCF-style: chr8-27467262-A-G. GRCh37 (hg19) VCF-style: chr8-27324779-A-G.
Other names: c.416T>C (NM_000742.3); c.371T>C, p.Met124Thr (NM_001282455.2); c.-57T>C (NM_001347705.2, NM_001347706.2); c.-43T>C (NM_001347707.2); c.-46T>C (NM_001347708.2); short protein forms M124T, M139T.
Identifiers: ClinVar variation 1561594 (VCV001561594.9), dbSNP rs770447351, ClinGen allele CA4689676.

ClinVar aggregate classification (germline): Conflicting classifications of pathogenicity. Review status: criteria provided, conflicting classifications (1 of 4 stars). 3 submissions from 3 submitters: Uncertain significance (2); Likely benign (1). Last evaluated 2025-09-14.

Conditions:
Inborn genetic diseases. Identifiers: MedGen C0950123, MeSH D030342.
Familial sleep-related hypermotor epilepsy. Also called: Autosomal Dominant Sleep-Related Hypermotor (Hyperkinetic) Epilepsy. Identifiers: Orphanet 98784, MedGen C3696898, MONDO:0000030.

Allele frequency attached by ClinVar (database versions not stated): gnomAD 0.00005; gnomAD exomes below 0.00001; ExAC 0.00001; TOPMed 0.00003.

Submissions (3):

Labcorp Genetics (formerly Invitae), Labcorp
Classification: Likely benign. Last evaluated: 2025-09-14. Review status: criteria provided, single submitter. Criteria: Invitae Variant Classification Sherloc (09022015). Collection method: clinical testing. Allele origin: germline.

Ambry Genetics
Classification: Uncertain significance for Inborn genetic diseases. Last evaluated: 2025-03-23. Review status: criteria provided, single submitter. Criteria: Ambry Variant Classification Scheme 2023. Collection method: clinical testing. Allele origin: germline.

GeneDx
Classification: Uncertain significance. Last evaluated: 2023-04-18. Review status: criteria provided, single submitter. Criteria: GeneDx Variant Classification Process June 2021. Collection method: clinical testing. Allele origin: germline. Affected: yes.
Comment: In silico analysis supports that this missense variant does not alter protein structure/function; Has not been previously published as pathogenic or benign to our knowledge